The following is an entry in ClinVar:

NM_182931.3(KMT2E):c.2602_2605del (p.Thr868fs)

Gene: KMT2E (lysine methyltransferase 2E (inactive); plus strand). Cytogenetic location: 7q22.3.
Variant type: Deletion.
Coding change: c.2602_2605del on transcript NM_182931.3 (MANE Select); coding-DNA positions 2602 to 2605, 4 bases deleted (ACTA; older notation c.2602_2605delACTA).
Protein change: p.Thr868fs; shifts the reading frame from threonine 868.
Molecular consequence: frameshift variant.
Genome position (GRCh38, 1-based): chr7:105,106,527-105,106,530, ACTA deleted; deleting any 4 consecutive bases within chr7:105,106,525-105,106,530 gives the same sequence; the c. name uses the placement nearest the transcript's 3' end. VCF-style (leftmost placement, unchanged base first): chr7-105106524-TTAAC-T. GRCh37 (hg19) VCF-style: chr7-104746971-TTAAC-T.
Other names: c.2602_2605del, p.Thr868fs (NM_018682.4); short protein forms T868fs.
Identifiers: ClinVar variation 805905 (VCV000805905.2), dbSNP rs1584803713, ClinGen allele CA913184805.
Genomic context (GRCh38, chr7:105,106,524, plus strand): 5'-ACAGATTTTAACAAATAGCAACAGTGTAATTTCTTACAGATTATTATTTCACCAACAGAT[TTAAC>T]TACACCACTAAAAAAACGAAGATTTTATCAGTTGCTAGATTCGGTTTACTCAGAAACCTC-3'

ClinVar aggregate classification (germline): Likely pathogenic (1 of 4 stars; one submission).

Submission:

Broad Center for Mendelian Genomics, Broad Institute of MIT and Harvard
Classification: Likely pathogenic. Last evaluated: 2019-02-07. Review status: criteria provided, single submitter. Criteria: ACMG Guidelines, 2015. Collection method: research. Allele origin: de novo. Inheritance: Autosomal dominant inheritance. Affected: yes.
Comment: Trio exome analysis showed this variant to be de novo. The p.Thr868Hisfs*3 variant in KMT2E has not been previously reported in individuals with developmental delay or autism and was absent from large population studies. This variant is predicted to cause a frameshift, which alters the proteinâ€™s amino acid sequence beginning at position 868 and leads to a premature termination codon 3 amino acids downstream. This alteration is then predicted to lead to a truncated or absent protein. This alteration is then predicted to lead to a truncated or absent protein. It is of note, that loss of function of the KMT2E gene in autosomal dominant disease has not yet been established based on the criteria laid out in Tayoun, 2018 (PMID: 30192042). In summary, although additional studies are required to fully establish its clinical significance, this variant is likely pathogenic.